The following is an entry in ClinVar:

NM_022552.5(DNMT3A):c.867_870del (p.Phe290fs)

Gene: DNMT3A (DNA methyltransferase 3 alpha; minus strand). Cytogenetic location: 2p23.3.
Variant type: Deletion.
Coding change: c.867_870del on transcript NM_022552.5 (MANE Select); coding-DNA positions 867 to 870, 4 bases deleted (CTTT; older notation c.867_870delCTTT).
Protein change: p.Phe290fs; shifts the reading frame from phenylalanine 290.
Molecular consequence: frameshift variant. On other transcripts: non-coding transcript variant (1).
Genome position (GRCh38, 1-based): chr2:25,247,735-25,247,738, AAAG deleted on the plus strand (CTTT on the coding strand, the reverse complement: DNMT3A is on the minus strand). VCF-style (leftmost placement, unchanged base first): chr2-25247734-CAAAG-C. GRCh37 (hg19) VCF-style: chr2-25470603-CAAAG-C.
Other names: c.411_414del, p.Phe138fs (NM_001320893.1); c.198_201del, p.Phe67fs (NM_001375819.1); c.300_303del, p.Phe101fs (NM_153759.3); c.867_870del, p.Phe290fs (NM_175629.2); short protein forms F67fs, F101fs, F138fs, F290fs.
Identifiers: ClinVar variation 2762551 (VCV002762551.3), dbSNP rs2465563641, ClinGen allele CA2697547841.

ClinVar aggregate classification (germline): Pathogenic (1 of 4 stars; one submission).

Conditions:
Tatton-Brown-Rahman overgrowth syndrome. Also called: Tatton-Brown-Rahman syndrome; Tall stature-intellectual disability-facial dysmorphism syndrome. Identifiers: Orphanet 404443, MedGen C4014545, MONDO:0014382, OMIM 615879.

Submission:

Labcorp Genetics (formerly Invitae), Labcorp
Classification: Pathogenic for Tatton-Brown-Rahman overgrowth syndrome. Last evaluated: 2023-09-22. Review status: criteria provided, single submitter. Criteria: Invitae Variant Classification Sherloc (09022015). Collection method: clinical testing. Allele origin: germline.
Comment: This sequence change creates a premature translational stop signal (p.Phe290Alafs*25) in the DNMT3A gene. It is expected to result in an absent or disrupted protein product. Loss-of-function variants in DNMT3A are known to be pathogenic (PMID: 24614070). This variant is not present in population databases (gnomAD no frequency). This variant has not been reported in the literature in individuals affected with DNMT3A-related conditions. Algorithms developed to predict the effect of sequence changes on RNA splicing suggest that this variant may disrupt the consensus splice site. For these reasons, this variant has been classified as Pathogenic.

Literature cited by the submitters: PubMed 24614070.